The following is an entry in ClinVar:

ClinVar aggregate classification (germline): Uncertain significance (1 of 4 stars; one submission).

gnomAD v4.1: 10 of 1,614,038 alleles (0.00062%); highest among the groups gnomAD compares: South Asian, 0.0088%; no homozygotes.

Submission:

Labcorp Genetics (formerly Invitae), Labcorp
Classification: Uncertain significance. Last evaluated: 2025-02-09. Review status: criteria provided, single submitter. Criteria: Invitae Variant Classification Sherloc (09022015). Collection method: clinical testing. Allele origin: germline.
Comment: This sequence change replaces asparagine, which is neutral and polar, with serine, which is neutral and polar, at codon 1147 of the CFH protein (p.Asn1147Ser). This variant is present in population databases (rs747428652, gnomAD 0.003%). This variant has not been reported in the literature in individuals affected with CFH-related conditions. An algorithm developed to predict the effect of missense changes on protein structure and function outputs the following: PolyPhen-2: "Benign". The serine amino acid residue is found in multiple mammalian species, which suggests that this missense change does not adversely affect protein function. In summary, the available evidence is currently insufficient to determine the role of this variant in disease. Therefore, it has been classified as a Variant of Uncertain Significance.

NM_000186.4(CFH):c.3440A>G (p.Asn1147Ser)

Gene: CFH (complement factor H; plus strand). Cytogenetic location: 1q31.3.
Variant type: single nucleotide variant.
Coding change: c.3440A>G on transcript NM_000186.4 (MANE Select); coding-DNA position 3440, A replaced by G.
Protein change: p.Asn1147Ser; replaces asparagine 1147 with serine.
Molecular consequence: missense variant.
Genome position (GRCh38, 1-based): chr1:196,745,946, A>G. VCF-style: chr1-196745946-A-G. GRCh37 (hg19) VCF-style: chr1-196715076-A-G.
Other names: short protein forms N1147S.
Identifiers: ClinVar variation 4712691 (VCV004712691.1).